The following is an entry in ClinVar:

ClinVar aggregate classification (germline): Uncertain significance (1 of 4 stars; one submission).

Conditions:
Familial hypobetalipoproteinemia 1. Also called: Hypobetalipoproteinemia, normotriglyceridemic; Acanthocytosis with hypobetalipoproteinemia; APOB-Related Familial Hypobetalipoproteinemia. Identifiers: MedGen C4551990, MONDO:0014252, OMIM 615558.
Hypercholesterolemia, autosomal dominant, type B (FHCL2). Also called: Familial Hypercholesterolemia Type B; APOLIPOPROTEIN B-100, FAMILIAL DEFECTIVE; APOLIPOPROTEIN B-100, FAMILIAL LIGAND-DEFECTIVE; HYPERCHOLESTEROLEMIA, FAMILIAL, DUE TO LIGAND-DEFECTIVE APOLIPOPROTEIN B; Familial hypercholesterolemia 2; APOB-Related Familial Hypercholesterolemia, Autosomal Dominant. Identifiers: MedGen C1704417, MONDO:0007751, OMIM 144010.

Submission:

Labcorp Genetics (formerly Invitae), Labcorp
Classification: Uncertain significance for Familial hypobetalipoproteinemia 1; Hypercholesterolemia, autosomal dominant, type B. Last evaluated: 2022-11-01. Review status: criteria provided, single submitter. Criteria: Invitae Variant Classification Sherloc (09022015). Collection method: clinical testing. Allele origin: germline.
Comment: In summary, the available evidence is currently insufficient to determine the role of this variant in disease. Therefore, it has been classified as a Variant of Uncertain Significance. Experimental studies and prediction algorithms are not available or were not evaluated, and the functional significance of this variant is currently unknown. This variant has not been reported in the literature in individuals affected with APOB-related conditions. This variant is not present in population databases (gnomAD no frequency). This variant, c.28_29delinsCTGCT, is a complex sequence change that results in the deletion of 1 and insertion of 2 amino acid(s) in the APOB protein (p.Ala10delinsLeuLeu).

NM_000384.3(APOB):c.28_29delinsCTGCT (p.Ala10delinsLeuLeu)

Genes: APOB (apolipoprotein B; minus strand), LOC106560211 (APOB 5' regulatory region; plus strand). Cytogenetic location: 2p24.1.
Variant type: Indel.
Coding change: c.28_29delinsCTGCT on transcript NM_000384.3 (MANE Select); coding-DNA positions 28 to 29, GC replaced by CTGCT.
Protein change: p.Ala10delinsLeuLeu.
Molecular consequence: inframe indel.
Genome position (GRCh38, 1-based): chr2:21,043,917-21,043,918, GC replaced by AGCAG on the plus strand (GC replaced by CTGCT on the coding strand, the reverse complement: APOB is on the minus strand). VCF-style: chr2-21043917-GC-AGCAG. GRCh37 (hg19) VCF-style: chr2-21266789-GC-AGCAG.
Identifiers: ClinVar variation 655663 (VCV000655663.8), dbSNP rs1572806387, ClinGen allele CA915943734.